The following is an entry in ClinVar:

NM_001352754.2(ARMC9):c.2425G>T (p.Gly809Cys)

Gene: ARMC9 (armadillo repeat containing 9; plus strand). Cytogenetic location: 2q37.1.
Variant type: single nucleotide variant.
Coding change: c.2425G>T on transcript NM_001352754.2 (MANE Select); coding-DNA position 2425, G replaced by T.
Protein change: p.Gly809Cys; replaces glycine 809 with cysteine.
Molecular consequence: missense variant.
Genome position (GRCh38, 1-based): chr2:231,370,116, G>T. VCF-style: chr2-231370116-G-T. GRCh37 (hg19) VCF-style: chr2-232234827-G-T.
Other names: c.2425G>T, p.Gly809Cys (NM_001271466.4); short protein forms G809C.
Identifiers: ClinVar variation 836165 (VCV000836165.6), dbSNP rs190810391, ClinGen allele CA2160611.

ClinVar aggregate classification (germline): Uncertain significance (1 of 4 stars; one submission).

Allele frequency attached by ClinVar (database versions not stated): gnomAD exomes 0.00012 and 0.00004; gnomAD 0.00044 and 0.00047; 1000 Genomes Project 30x 0.00078; 1000 Genomes Project 0.00080; ExAC 0.00018; TOPMed 0.00043.
gnomAD v4.1: 142 of 1,527,176 alleles (0.0093%); highest among the groups gnomAD compares: African/African-American, 0.16%; no homozygotes.

Submissions (3):

Labcorp Genetics (formerly Invitae), Labcorp
Classification: Uncertain significance. Last evaluated: 2022-09-27. Review status: criteria provided, single submitter. Criteria: Invitae Variant Classification Sherloc (09022015). Collection method: clinical testing. Allele origin: germline.
Comment: This sequence change replaces glycine, which is neutral and non-polar, with cysteine, which is neutral and slightly polar, at codon 809 of the ARMC9 protein (p.Gly809Cys). This variant is present in population databases (rs190810391, gnomAD 0.1%). This variant has not been reported in the literature in individuals affected with ARMC9-related conditions. ClinVar contains an entry for this variant (Variation ID: 836165). In summary, the available evidence is currently insufficient to determine the role of this variant in disease. Therefore, it has been classified as a Variant of Uncertain Significance.

Dr. Peter K. Rogan Lab, Western University
No classification provided (evidence only). Condition: Uterine corpus endometrial carcinoma. Review status: no classification provided. Collection method: in vitro. Allele origin: not applicable. Functional consequence: retained intron. Not counted in ClinVar's aggregate classification.

Dr. Peter K. Rogan Lab, Western University
No classification provided (evidence only). Condition: Thymoma. Review status: no classification provided. Collection method: in vitro. Allele origin: not applicable. Functional consequence: retained intron. Not counted in ClinVar's aggregate classification.